The following is an entry in ClinVar:

NM_000525.4(KCNJ11):c.719T>G (p.Met240Arg)

Gene: KCNJ11 (potassium inwardly rectifying channel subfamily J member 11; minus strand). Cytogenetic location: 11p15.1.
Variant type: single nucleotide variant.
Coding change: c.719T>G on transcript NM_000525.4 (MANE Select); coding-DNA position 719, T replaced by G.
Protein change: p.Met240Arg; replaces methionine 240 with arginine.
Molecular consequence: missense variant.
Genome position (GRCh38, 1-based): chr11:17,387,373, A>C on the plus strand (T>G on the coding strand, the complement: KCNJ11 is on the minus strand). VCF-style: chr11-17387373-A-C. GRCh37 (hg19) VCF-style: chr11-17408920-A-C.
Other names: c.458T>G, p.Met153Arg (NM_001166290.2, NM_001377296.1, NM_001377297.1); short protein forms M240R, M153R.
Identifiers: ClinVar variation 284188 (VCV000284188.7), dbSNP rs886042818, ClinGen allele CA10604719.

ClinVar aggregate classification (germline): Uncertain significance. Review status: criteria provided, multiple submitters, no conflicts (2 of 4 stars). 3 submissions from 3 submitters: Uncertain significance (3). Last evaluated 2026-01-07.

Conditions:
Maturity-onset diabetes of the young (MODY). Also called: Maturity onset diabetes mellitus in young. Identifiers: Orphanet 552, MedGen C0342276, MONDO:0018911, HP:0004904.

Allele frequency attached by ClinVar (database versions not stated): gnomAD 0.00001; gnomAD exomes 0.00001; TOPMed 0.00001.

Submissions (3):

Labcorp Genetics (formerly Invitae), Labcorp
Classification: Uncertain significance. Last evaluated: 2026-01-07. Review status: criteria provided, single submitter. Criteria: Invitae Variant Classification Sherloc (09022015). Collection method: clinical testing. Allele origin: germline.
Comment: This sequence change replaces methionine, which is neutral and non-polar, with arginine, which is basic and polar, at codon 240 of the KCNJ11 protein (p.Met240Arg). This variant is present in population databases (no rsID available, gnomAD 0.006%). This variant has not been reported in the literature in individuals affected with KCNJ11-related conditions. ClinVar contains an entry for this variant (Variation ID: 284188). Invitae Evidence Modeling of protein sequence and biophysical properties (such as structural, functional, and spatial information, amino acid conservation, physicochemical variation, residue mobility, and thermodynamic stability) has been performed for this missense variant. However, the output from this modeling did not meet the statistical confidence thresholds required to predict the impact of this variant on KCNJ11 protein function. In summary, the available evidence is currently insufficient to determine the role of this variant in disease. Therefore, it has been classified as a Variant of Uncertain Significance.

Eurofins Ntd Llc (ga)
Classification: Uncertain significance. Last evaluated: 2015-11-18. Review status: criteria provided, single submitter. Criteria: EGL Classification Definitions 2015. Collection method: clinical testing. Allele origin: germline. Observed: 1 variant allele, 1 heterozygote.

Clinical Genomics, Uppaluri K&H Personalized Medicine Clinic
Classification: Uncertain significance for Maturity-onset diabetes of the young. Review status: criteria provided, single submitter. Criteria: K & H Uppaluri Personalized Medicine Clinic Variant Classification & Assertion Criteria_Updated V.1. Collection method: research. Allele origin: somatic. Inheritance: Autosomal dominant inheritance.
Comment: Mutations in KCNJ11 gene can cause decreased production and secretion of insulin. This can lead to MODY which may be responsive to oral sulfonylureas. It is also associated with Neonatal Diabetes. However, no sufficient evidence is found to ascertain the role of this particular variant (rs886042818) in MODY yet.

Literature cited by the submitters: PubMed 26448950 (cited by Clinical Genomics, Uppaluri K&H Personalized Medicine Clinic); PubMed 15580558 (cited by Clinical Genomics, Uppaluri K&H Personalized Medicine Clinic); PubMed 15718250 (cited by Clinical Genomics, Uppaluri K&H Personalized Medicine Clinic); PubMed 32935446 (cited by Clinical Genomics, Uppaluri K&H Personalized Medicine Clinic); PubMed 22701567 (cited by Clinical Genomics, Uppaluri K&H Personalized Medicine Clinic).